The following is an entry in ClinVar:

ClinVar aggregate classification (germline): Uncertain significance (1 of 4 stars; one submission).

Submission:

ISCA site 4
Classification: Uncertain significance. Last evaluated: 2011-08-12. Review status: criteria provided, single submitter. Criteria: Kaminsky et al. (Genet Med. 2011). Collection method: clinical testing. Allele origin: unknown. Affected: yes. Observed: 1 variant allele.
Comment: Copy number variation identified through the course of routine clinical cytogenomic testing in postnatal populations. Clinical assertions have been curated as described in Kaminsky et al. 2011.

GRCh38/hg38 4p15.31(chr4:19656960-20172216)x3

Genes: LOC105374511 (uncharacterized LOC105374511; plus strand), LOC126806996 (CDK7 strongly-dependent group 2 enhancer GRCh37_chr4:19777224-19778423; plus strand), LOC126806997 (CDK7 strongly-dependent group 2 enhancer GRCh37_chr4:20029655-20030854; plus strand). Cytogenetic location: 4p15.31.
Variant type: copy number gain.
Change: copy number 3 (three copies instead of two) of chr4:19,656,960-20,172,216 (515.3 kb, GRCh38 coordinates, 1-based), cytogenetic band 4p15.31.
Identifiers: ClinVar variation 57061 (VCV000057061.1).